The following is an entry in ClinVar:

ClinVar aggregate classification (germline): Likely benign. Review status: criteria provided, multiple submitters, no conflicts (2 of 4 stars). 4 submissions from 4 submitters: Likely benign (3). 1 of the submissions does not count toward it. Last evaluated 2026-01-08.

Conditions:
Retinal dystrophy. Also called: Inherited retinal dystrophy. Identifiers: Orphanet 71862, MedGen C0854723, MeSH D058499, MONDO:0019118, HP:0000556.
PRPF31-related disorder. Also called: PRPF31-related condition.

Allele frequency attached by ClinVar (database versions not stated): gnomAD exomes 0.00010 and 0.00050; gnomAD 0.00017 and 0.00020; TOPMed 0.00019; ESP Exome Variant Server 0.00031; ExAC 0.00005.

Submissions (4):

Labcorp Genetics (formerly Invitae), Labcorp
Classification: Likely benign. Last evaluated: 2026-01-08. Review status: criteria provided, single submitter. Criteria: Invitae Variant Classification Sherloc (09022015). Collection method: clinical testing. Allele origin: germline.

PreventionGenetics, part of Exact Sciences
Classification: Likely benign for PRPF31-related condition. Last evaluated: 2025-09-03. Review status: criteria provided, single submitter. Criteria: ACMG Guidelines, 2015. Collection method: clinical testing. Allele origin: germline.
Comment: This variant is classified as likely benign based on ACMG/AMP sequence variant interpretation guidelines (Richards et al. 2015 PMID: 25741868, with internal and published modifications).

Blueprint Genetics
Classification: Likely benign. Last evaluated: 2024-10-14. Review status: criteria provided, single submitter. Criteria: ACMG Guidelines, 2015. Collection method: clinical testing. Allele origin: germline.

Institute of Human Genetics, Univ. Regensburg, Univ. Regensburg
Classification: Likely benign for Retinal dystrophy. Last evaluated: 2013-01-01. Review status: no assertion criteria provided. Criteria: ACMG Guidelines, 2015. Collection method: clinical testing. Allele origin: germline. Affected: yes. Not counted in ClinVar's aggregate classification.

NM_015629.4(PRPF31):c.681G>A (p.Thr227=)

Gene: PRPF31 (pre-mRNA processing factor 31; plus strand). Cytogenetic location: 19q13.42.
Variant type: single nucleotide variant.
Coding change: c.681G>A on transcript NM_015629.4 (MANE Select); coding-DNA position 681, G replaced by A.
Protein change: p.Thr227=; no amino-acid change (threonine 227 retained).
Molecular consequence: synonymous variant.
Genome position (GRCh38, 1-based): chr19:54,123,902, G>A. VCF-style: chr19-54123902-G-A. GRCh37 (hg19) VCF-style: chr19-54627281-G-A.
Other names: c.681G>A (NM_015629.3).
Identifiers: ClinVar variation 1059530 (VCV001059530.10), dbSNP rs141325097, ClinGen allele CA309325333.
Genomic context (GRCh38, chr19:54,123,902, plus strand): 5'-TGTGGAGTCCCGGATGTCCTTCATCGCACCCAACCTGTCCATCATTATCGGGGCATCCAC[G>A]GCCGCCAAGATCATGGGTGAGTCCCCGGGCTGGGTCCCATGGAGCGGGGGTCTGCTGACA-3'
Protein context (NP_056444.3, residues 217-237): PNLSIIIGAS[Thr227=]AAKIMGVAGG